The following is an entry in ClinVar:

ClinVar aggregate classification (germline): Uncertain significance. Review status: reviewed by expert panel (3 of 4 stars). 6 submissions from 6 submitters: Uncertain significance (1). 5 of the submissions do not count toward it. Last evaluated 2024-04-23.

Conditions:
Severe combined immunodeficiency, autosomal recessive, T cell-negative, B cell-negative, NK cell-negative, due to adenosine deaminase deficiency. Also called: ADA deficiency; Adenosine deaminase deficient severe combined immunodeficiency; Severe combined immunodeficiency due to ADA deficiency; ADA-SCID; SCID DUE TO ADA DEFICIENCY; SCID DUE TO ADA DEFICIENCY, EARLY-ONSET. Identifiers: Orphanet 277, MedGen C0392607, MONDO:0007064, OMIM 102700.

Allele frequency attached by ClinVar (database versions not stated): gnomAD 0.00002; TOPMed 0.00003; gnomAD exomes 0.00004 and 0.00006; ExAC 0.00005; ESP Exome Variant Server 0.00008.
gnomAD v4.1: 66 of 1,614,064 alleles (0.0041%); highest among the groups gnomAD compares: Non-Finnish European, 0.0054%; no homozygotes.

Submissions (6):

ClinGen Severe Combined Immunodeficiency Variant Curation Expert Panel, ClinGen
Classification: Uncertain significance for Severe combined immunodeficiency, autosomal recessive, T cell-negative, B cell-negative, NK cell-negative, due to adenosine deaminase deficiency. Last evaluated: 2024-04-23. Review status: reviewed by expert panel. Criteria: ClinGen SCID ACMG Specifications ADA V1.0.0. Collection method: curation. Allele origin: germline. Inheritance: Autosomal recessive inheritance.
Comment: The c.899T>G (NM_000022.4) variant in ADA is a missense variant predicted to cause substitution of Phenylalanine by Cysteine at amino acid 300 (p.Phe300Cys). The filtering allele frequency (the upper threshold of the 95% CI of 64/1180048) of the c.899T>G variant in ADA is 0.00004346 for European (non-Finnish) chromosomes by gnomAD v4, which is lower than the ClinGen SCID VCEP threshold (<0.0001742) for PM2_Supporting, and therefore meets this criterion (PM2_Supporting). No homozygotes have been observed in gnomAD. To our knowledge, this variant has not been reported in the literature in individuals affected with ADA-related conditions or in functional studies. Due to insufficient evidence, this variant is classified as a variant of uncertain significance for autosomal recessive SCID based on ACMG/AMP criteria applied, as specified by the ClinGen SCID VCEP (specification version 1.0): PM2_Supporting.

Blueprint Genetics
Classification: Uncertain significance. Last evaluated: 2024-03-12. Review status: criteria provided, single submitter. Criteria: ACMG Guidelines, 2015. Collection method: clinical testing. Allele origin: germline. Not counted in ClinVar's aggregate classification.

Labcorp Genetics (formerly Invitae), Labcorp
Classification: Uncertain significance for Severe combined immunodeficiency, autosomal recessive, T cell-negative, B cell-negative, NK cell-negative, due to adenosine deaminase deficiency. Last evaluated: 2022-10-12. Review status: criteria provided, single submitter. Criteria: Invitae Variant Classification Sherloc (09022015). Collection method: clinical testing. Allele origin: germline. Not counted in ClinVar's aggregate classification.
Comment: This sequence change replaces phenylalanine, which is neutral and non-polar, with cysteine, which is neutral and slightly polar, at codon 300 of the ADA protein (p.Phe300Cys). This variant is present in population databases (rs371305751, gnomAD 0.01%). This variant has not been reported in the literature in individuals affected with ADA-related conditions. ClinVar contains an entry for this variant (Variation ID: 897016). Advanced modeling of protein sequence and biophysical properties (such as structural, functional, and spatial information, amino acid conservation, physicochemical variation, residue mobility, and thermodynamic stability) performed at Invitae indicates that this missense variant is not expected to disrupt ADA protein function. In summary, the available evidence is currently insufficient to determine the role of this variant in disease. Therefore, it has been classified as a Variant of Uncertain Significance.

Genome-Nilou Lab
Classification: Uncertain significance for Severe combined immunodeficiency, autosomal recessive, T cell-negative, B cell-negative, NK cell-negative, due to adenosine deaminase deficiency. Last evaluated: 2021-09-05. Review status: criteria provided, single submitter. Criteria: ACMG Guidelines, 2015. Collection method: clinical testing. Allele origin: germline. Affected: no. Not counted in ClinVar's aggregate classification.

Illumina Laboratory Services, Illumina
Classification: Uncertain significance for Severe combined immunodeficiency, autosomal recessive, T cell-negative, B cell-negative, NK cell-negative, due to adenosine deaminase deficiency. Last evaluated: 2018-01-13. Review status: criteria provided, single submitter. Criteria: ICSL Variant Classification Criteria 13 December 2019. Collection method: clinical testing. Allele origin: germline. Not counted in ClinVar's aggregate classification.

Natera, Inc.
Classification: Uncertain significance for Severe combined immunodeficiency due to ADA deficiency. Last evaluated: 2020-05-15. Review status: no assertion criteria provided. Collection method: clinical testing. Allele origin: germline. Not counted in ClinVar's aggregate classification.

NM_000022.4(ADA):c.899T>G (p.Phe300Cys)

Gene: ADA (adenosine deaminase; minus strand). Cytogenetic location: 20q13.12.
Variant type: single nucleotide variant.
Coding change: c.899T>G on transcript NM_000022.4 (MANE Select); coding-DNA position 899, T replaced by G.
Protein change: p.Phe300Cys; replaces phenylalanine 300 with cysteine.
Molecular consequence: missense variant. On other transcripts: non-coding transcript variant (1).
Genome position (GRCh38, 1-based): chr20:44,621,094, A>C on the plus strand (T>G on the coding strand, the complement: ADA is on the minus strand). VCF-style: chr20-44621094-A-C. GRCh37 (hg19) VCF-style: chr20-43249735-A-C.
Other names: NM_000022.4(ADA):c.899T>G; p.Phe300Cys; c.494T>G, p.Phe165Cys (NM_001322050.2); c.827T>G, p.Phe276Cys (NM_001322051.2); short protein forms F276C, F300C, F165C.
Identifiers: ClinVar variation 897016 (VCV000897016.12), dbSNP rs371305751, ClinGen allele CA9871470.
Genomic context (GRCh38, chr20:44,621,094, plus strand): 5'-TCTTCAGTAAAGCCCATGTCCCGTTTGGTCATCTGGTAATCAGTGTCCAGGGTGGACTTG[A>C]AGATGAGCGGGTCATCTGTGTTGAGCGAGTAGTTAGCCTGGTCATTTTTGAGCCTGCAGA-3'
Protein context (NP_000013.2, residues 290-310): YSLNTDDPLI[Phe300Cys]KSTLDTDYQM